The following is an entry in ClinVar:

ClinVar aggregate classification (germline): Uncertain significance (1 of 4 stars; one submission).

Conditions:
Congenital sideroblastic anemia-B-cell immunodeficiency-periodic fever-developmental delay syndrome. Also called: Sideroblastic anemia with B-cell immunodeficiency, periodic fevers, and developmental delay. Identifiers: Orphanet 369861, MedGen C4015172, MONDO:0014487, OMIM 616084.

Submission:

Labcorp Genetics (formerly Invitae), Labcorp
Classification: Uncertain significance for Congenital sideroblastic anemia-B-cell immunodeficiency-periodic fever-developmental delay syndrome. Last evaluated: 2021-11-01. Review status: criteria provided, single submitter. Criteria: Invitae Variant Classification Sherloc (09022015). Collection method: clinical testing. Allele origin: germline.
Comment: Algorithms developed to predict the effect of missense changes on protein structure and function are either unavailable or do not agree on the potential impact of this missense change (SIFT: "Tolerated"; PolyPhen-2: "Possibly Damaging"; Align-GVGD: "Class C0"). This sequence change replaces glutamine, which is neutral and polar, with histidine, which is basic and polar, at codon 94 of the TRNT1 protein (p.Gln94His). This variant is not present in population databases (gnomAD no frequency). This variant has not been reported in the literature in individuals affected with TRNT1-related conditions. In summary, the available evidence is currently insufficient to determine the role of this variant in disease. Therefore, it has been classified as a Variant of Uncertain Significance.

NM_182916.3(TRNT1):c.282G>T (p.Gln94His)

Gene: TRNT1 (tRNA nucleotidyl transferase 1; plus strand). Cytogenetic location: 3p26.2.
Variant type: single nucleotide variant.
Coding change: c.282G>T on transcript NM_182916.3 (MANE Select); coding-DNA position 282, G replaced by T.
Protein change: p.Gln94His; replaces glutamine 94 with histidine.
Molecular consequence: missense variant. On other transcripts: non-coding transcript variant (8).
Genome position (GRCh38, 1-based): chr3:3,137,393, G>T. VCF-style: chr3-3137393-G-T. GRCh37 (hg19) VCF-style: chr3-3179077-G-T.
Other names: c.282G>T, p.Gln94His (NM_001302946.2, NM_001367321.1, NM_001367322.1 and 1 more transcripts); short protein forms Q94H.
Identifiers: ClinVar variation 1348567 (VCV001348567.6), dbSNP rs527886866, ClinGen allele CA351443213.